The following is an entry in ClinVar:

ClinVar aggregate classification (germline): Uncertain significance (1 of 4 stars; one submission).

Submission:

Labcorp Genetics (formerly Invitae), Labcorp
Classification: Uncertain significance. Last evaluated: 2021-06-03. Review status: criteria provided, single submitter. Criteria: Invitae Variant Classification Sherloc (09022015). Collection method: clinical testing. Allele origin: germline.
Comment: This variant has not been reported in the literature in individuals with COL13A1-related conditions. In summary, the available evidence is currently insufficient to determine the role of this variant in disease. Therefore, it has been classified as a Variant of Uncertain Significance. Experimental studies and prediction algorithms are not available or were not evaluated, and the functional significance of this variant is currently unknown. This variant is a gross deletion of the genomic region encompassing exon(s) 36 of the COL13A1 gene. This variant would be expected to be in-frame, preserving the integrity of the reading frame.

NC_000010.10:g.(?_71705407)_(71705500_?)del

Gene: COL13A1 (collagen type XIII alpha 1 chain; plus strand). Cytogenetic location: 10q22.1.
Variant type: Deletion.
Identifiers: ClinVar variation 1373613 (VCV001373613.6).